The following is an entry in ClinVar:

ClinVar aggregate classification (germline): Uncertain significance (1 of 4 stars; one submission).

Conditions:
Hereditary spastic paraplegia 10 (SPG10). Also called: SPASTIC PARAPLEGIA 10, AUTOSOMAL DOMINANT; SPASTIC PARAPLEGIA 10 WITH OR WITHOUT PERIPHERAL NEUROPATHY; SPASTIC PARAPLEGIA 10 WITH PERIPHERAL NEUROPATHY. Identifiers: Orphanet 100991, MedGen C1858712, MONDO:0011408, OMIM 604187.

Submission:

MVZ Medizinische Genetik Mainz
Classification: Uncertain significance for Hereditary spastic paraplegia 10. Last evaluated: 2024-07-23. Review status: criteria provided, single submitter. Criteria: UK Practice Guidelines For Variant Classification V4 01 2020. Collection method: clinical testing. Allele origin: germline. Inheritance: Autosomal dominant inheritance. Affected: yes. Observed: 1 variant allele.
Comment: ACMG Criteria: PM2_SUP,PP2,BP4

NM_004984.4(KIF5A):c.1688T>C (p.Val563Ala)

Gene: KIF5A (kinesin family member 5A; plus strand). Cytogenetic location: 12q13.3.
Variant type: single nucleotide variant.
Coding change: c.1688T>C on transcript NM_004984.4 (MANE Select); coding-DNA position 1688, T replaced by C.
Protein change: p.Val563Ala; replaces valine 563 with alanine.
Molecular consequence: missense variant.
Genome position (GRCh38, 1-based): chr12:57,572,698, T>C. VCF-style: chr12-57572698-T-C. GRCh37 (hg19) VCF-style: chr12-57966481-T-C.
Other names: c.1421T>C, p.Val474Ala (NM_001354705.2); short protein forms V474A, V563A.
Identifiers: ClinVar variation 3338370 (VCV003338370.1).